The following is an entry in ClinVar:

NM_000303.3(PMM2):c.130G>A (p.Val44Ile)

Gene: PMM2 (phosphomannomutase 2; plus strand). Cytogenetic location: 16p13.2.
Variant type: single nucleotide variant.
Coding change: c.130G>A on transcript NM_000303.3 (MANE Select); coding-DNA position 130, G replaced by A.
Protein change: p.Val44Ile; replaces valine 44 with isoleucine.
Molecular consequence: missense variant.
Genome position (GRCh38, 1-based): chr16:8,801,862, G>A. VCF-style: chr16-8801862-G-A. GRCh37 (hg19) VCF-style: chr16-8895719-G-A.
Other names: short protein forms V44I.
Identifiers: ClinVar variation 1039261 (VCV001039261.9), dbSNP rs2060618497, ClinGen allele CA394695253.
Genomic context (GRCh38, chr16:8,801,862, plus strand): 5'-ATTACCAAAGAAATGGATGACTTCCTACAAAAATTGAGGCAGAAGATCAAAATCGGAGTG[G>A]TAGGCGGATCGGACTTTGAGAAAGTGCAGGAGCAACTGGGAAATGATGGTAAATGATGGG-3'
Protein context (NP_000294.1, residues 34-54): KLRQKIKIGV[Val44Ile]GGSDFEKVQE

ClinVar aggregate classification (germline): Likely pathogenic (1 of 4 stars; one submission).

Conditions:
PMM2-congenital disorder of glycosylation. Also called: CDG Ia; PMM2-CDG; PHOSPHOMANNOMUTASE 2 DEFICIENCY; CARBOHYDRATE-DEFICIENT GLYCOPROTEIN SYNDROME, TYPE Ia; JAEKEN SYNDROME; Congenital disorder of glycosylation, type Ia. Identifiers: Orphanet 79318, MedGen C0349653, MONDO:0008907, OMIM 212065.

Allele frequency attached by ClinVar (database versions not stated): TOPMed below 0.00001.

Submission:

Labcorp Genetics (formerly Invitae), Labcorp
Classification: Likely pathogenic for PMM2-congenital disorder of glycosylation. Last evaluated: 2022-11-29. Review status: criteria provided, single submitter. Criteria: Invitae Variant Classification Sherloc (09022015). Collection method: clinical testing. Allele origin: germline.
Comment: In summary, the currently available evidence indicates that the variant is pathogenic, but additional data are needed to prove that conclusively. Therefore, this variant has been classified as Likely Pathogenic. This variant disrupts the p.Val44 amino acid residue in PMM2. Other variant(s) that disrupt this residue have been determined to be pathogenic (PMID: 9497260, 21541725, 26014514). This suggests that this residue is clinically significant, and that variants that disrupt this residue are likely to be disease-causing. Advanced modeling of protein sequence and biophysical properties (such as structural, functional, and spatial information, amino acid conservation, physicochemical variation, residue mobility, and thermodynamic stability) performed at Invitae indicates that this missense variant is expected to disrupt PMM2 protein function. ClinVar contains an entry for this variant (Variation ID: 1039261). This variant has not been reported in the literature in individuals affected with PMM2-related conditions. This variant is not present in population databases (gnomAD no frequency). This sequence change replaces valine, which is neutral and non-polar, with isoleucine, which is neutral and non-polar, at codon 44 of the PMM2 protein (p.Val44Ile).

Literature cited by the submitters: PubMed 9497260; PubMed 21541725; PubMed 26014514.